The following is an entry in ClinVar:

NM_001184880.2(PCDH19):c.463G>A (p.Asp155Asn)

Gene: PCDH19 (protocadherin 19; minus strand). Cytogenetic location: Xq22.1.
Variant type: single nucleotide variant.
Coding change: c.463G>A on transcript NM_001184880.2 (MANE Select); coding-DNA position 463, G replaced by A.
Protein change: p.Asp155Asn; replaces aspartic acid 155 with asparagine.
Molecular consequence: missense variant.
Genome position (GRCh38, 1-based): chrX:100,408,135, C>T on the plus strand (G>A on the coding strand, the complement: PCDH19 is on the minus strand). VCF-style: chrX-100408135-C-T. GRCh37 (hg19) VCF-style: chrX-99663133-C-T.
Other names: p.D155N:GAT>AAT; c.463G>A, p.Asp155Asn (NM_001105243.2, NM_020766.3); short protein forms D155N.
Identifiers: ClinVar variation 206314 (VCV000206314.4), dbSNP rs796052800, ClinGen allele CA316298.

ClinVar aggregate classification (germline): Conflicting classifications of pathogenicity. Review status: criteria provided, conflicting classifications (1 of 4 stars). 2 submissions from 2 submitters: Likely pathogenic (1); Uncertain significance (1). Last evaluated 2024-11-09.

Conditions:
Developmental and epileptic encephalopathy, 9 (DEE9). Also called: EPILEPSY, FEMALE-RESTRICTED, WITH MENTAL RETARDATION; Early infantile epileptic encephalopathy 9; JUBERG-HELLMAN SYNDROME; PCDH19-Related X-Linked Female-Limited Epilepsy with Mental Retardation. Identifiers: Orphanet 101039, Orphanet 2076, MedGen C1848137, MONDO:0010246, OMIM 300088. Disease mechanism: loss of function.

Submissions (2):

Labcorp Genetics (formerly Invitae), Labcorp
Classification: Likely pathogenic for Developmental and epileptic encephalopathy, 9. Last evaluated: 2024-11-09. Review status: criteria provided, single submitter. Criteria: Invitae Variant Classification Sherloc (09022015). Collection method: clinical testing. Allele origin: germline.
Comment: This sequence change replaces aspartic acid, which is acidic and polar, with asparagine, which is neutral and polar, at codon 155 of the PCDH19 protein (p.Asp155Asn). This variant is not present in population databases (gnomAD no frequency). This missense change has been observed in individual(s) with PCDH19-related conditions (PMID: 29377098). ClinVar contains an entry for this variant (Variation ID: 206314). Invitae Evidence Modeling of protein sequence and biophysical properties (such as structural, functional, and spatial information, amino acid conservation, physicochemical variation, residue mobility, and thermodynamic stability) indicates that this missense variant is expected to disrupt PCDH19 protein function with a positive predictive value of 95%. This variant disrupts the p.Asp155 amino acid residue in PCDH19. Other variant(s) that disrupt this residue have been determined to be pathogenic (PMID: 29377098; internal data). This suggests that this residue is clinically significant, and that variants that disrupt this residue are likely to be disease-causing. In summary, the currently available evidence indicates that the variant is pathogenic, but additional data are needed to prove that conclusively. Therefore, this variant has been classified as Likely Pathogenic.

GeneDx
Classification: Uncertain significance. Last evaluated: 2017-07-21. Review status: criteria provided, single submitter. Criteria: GeneDx Variant Classification (06012015). Collection method: clinical testing. Allele origin: germline. Affected: yes.
Comment: A variant of uncertain significance has been identified in the PCDH19 gene. The D155N variant has not been published as a pathogenic variant, nor has it been reported as a benign variant to our knowledge. The D155N variant is not observed in large population cohorts (Lek et al., 2016; 1000 Genomes Consortium et al., 2015; Exome Variant Server). The D155N variant is a semi-conservative amino acid substitution, which may impact secondary protein structure as these residues differ in some properties. This substitution occurs at a position that is conserved across species. In silico analysis predicts this variant is probably damaging to the protein structure/function. Additionally, the majority of missense variants in this gene are considered pathogenic (Stenson et al., 2014). Based on the currently available information, it is unclear whether this variant is a pathogenic variant or a rare benign variant.

Literature cited by the submitters: PubMed 29377098 (cited by Labcorp Genetics (formerly Invitae), Labcorp).